The following is an entry in ClinVar:

ClinVar aggregate classification (germline): Conflicting classifications of pathogenicity. Review status: criteria provided, conflicting classifications (1 of 4 stars). 5 submissions from 5 submitters: Uncertain significance (2); Likely benign (2). 1 of the submissions does not count toward it. Last evaluated 2025-08-04.

Conditions:
PSEN1-related disorder. Also called: PSEN1-related condition.
Alzheimer disease 3 (AD3). Also called: ALZHEIMER DISEASE, FAMILIAL, 3. Identifiers: Orphanet 1020, MedGen C1843013, MONDO:0011913, OMIM 607822.
Acne inversa, familial, 3 (ACNINV3). Identifiers: MedGen C3151038, MONDO:0013398, OMIM 613737.
Frontotemporal dementia (FTD1). Also called: MULTIPLE SYSTEM TAUOPATHY WITH PRESENILE DEMENTIA; WILHELMSEN-LYNCH DISEASE; Dementia, frontotemporal, with or without parkinsonism; Frontotemporal Dementia with Parkinsonism-17 (FTDP-17); FRONTOTEMPORAL DEMENTIA WITH PARKINSONISM; FRONTOTEMPORAL LOBE DEMENTIA. Identifiers: Orphanet 282, MedGen C0338451, MONDO:0017276, OMIM 600274, HP:0002145.
Pick disease. Also called: PICK DISEASE OF BRAIN; LOBAR ATROPHY OF BRAIN; Pick's disease; Pick Disease of the Brain; DEMENTIA WITH LOBAR ATROPHY AND NEURONAL CYTOPLASMIC INCLUSIONS. Identifiers: Orphanet 282, MedGen C0236642, MONDO:0008243, OMIM 172700.

Submissions (5):

Labcorp Genetics (formerly Invitae), Labcorp
Classification: Likely benign for Alzheimer disease 3; Pick disease; Acne inversa, familial, 3; Frontotemporal dementia. Last evaluated: 2025-08-04. Review status: criteria provided, single submitter. Criteria: Invitae Variant Classification Sherloc (09022015). Collection method: clinical testing. Allele origin: germline.

Women's Health and Genetics/Laboratory Corporation of America, LabCorp
Classification: Uncertain significance. Last evaluated: 2025-05-27. Review status: criteria provided, single submitter. Criteria: LabCorp Variant Classification Summary - May 2015. Collection method: clinical testing. Allele origin: germline.
Comment: Variant summary: PSEN1 c.118_120delGAC (p.Asp40del) results in an in-frame deletion that is predicted to remove 1 amino acid from the encoded protein. The variant allele was found at a frequency of 0.00014 in 251344 control chromosomes. This frequency is not significantly higher than estimated for a pathogenic variant in PSEN1 causing Alzheimer Disease, Type 3, allowing no conclusion about variant significance. Deletion of this amino acid has been observed in individual(s) affected with Alzheimer Disease (example, Nicholas_2018, Nygaard_2014, Perrone_2020, Rehker_2017), usually without sufficient information to determine whether early or late onset and always in the absence of familial segregation data. These data do not allow any conclusion about variant significance. Two publications report experimental evidence evaluating an impact on protein function in vitro, however, neither allowed convincing conclusions about the variant effect (example Hsu_2020, Sun_2017) due to conflicting results. The following publications have been ascertained in the context of this evaluation (PMID: 32087291, 30114415, 24463146, 32917274, 28985224, 27930341). ClinVar contains an entry for this variant (Variation ID: 1505666). Based on the evidence outlined above, the variant was classified as uncertain significance.

ARUP Laboratories, Molecular Genetics and Genomics, ARUP Laboratories
Classification: Uncertain significance. Last evaluated: 2024-11-16. Review status: criteria provided, single submitter. Criteria: ARUP Molecular Germline Variant Investigation Process 2024. Collection method: clinical testing. Allele origin: germline.
Comment: The PSEN1 c.118_120del; p.Asp40del variant (rs759538127, ClinVar Variation ID: 1505666) is reported in the literature in individuals affected with Alzheimerâ€™s disease (Course 2023, Nygaard 2014, Perrone 2020); however, no family studies were available. This variant is found in the general population with an overall allele frequency of 0.01% (38/282,748 alleles) in the Genome Aggregation Database (v2.1.1). This variant deletes a single aspartic acid residue leaving the rest of the protein in-frame. Functional analyses of the variant protein by gamma-secretase show reduced production of AB42 and AB40 peptides (Sun 2017); however, in mouse N2A cells show an increase in production of AB42 and AB40 peptides (Hsu 2020). Due to limited information, the clinical significance of this variant is uncertain at this time. References: Course MM et al. Aberrant splicing of PSEN2, but not PSEN1, in individuals with sporadic Alzheimer's disease. Brain. 2023 Feb 13;146(2):507-518. PMID: 35949106. Hsu S et al. validation of variants of unknown significance in APP, PSEN1 and PSEN2. Neurobiol Dis. 2020 Jun;139:104817. PMID: 32087291. Nygaard HB et al. A Novel Presenilin 1 Mutation in Early-Onset Alzheimer's Disease With Prominent Frontal Features. Am J Alzheimers Dis Other Demen. 2014 Aug;29(5):433-5. PMID: 24463146. Perrone F et al. Amyloid-ÃŸ1-43 cerebrospinal fluid levels and the interpretation of APP, PSEN1 and PSEN2 mutations. Alzheimers Res Ther. 2020 Sep 11;12(1):108. PMID: 32917274. Sun L et al. Analysis of 138 pathogenic mutations in presenilin-1 on the in vitro production of AÃŸ42 and AÃŸ40 peptides by ?-secretase. Proc Natl Acad Sci U S A. 2017 Jan 24;114(4):E476-E485. PMID: 27930341

Blueprint Genetics
Classification: Likely benign. Last evaluated: 2023-06-05. Review status: criteria provided, single submitter. Criteria: ACMG Guidelines, 2015. Collection method: clinical testing. Allele origin: germline.

PreventionGenetics, part of Exact Sciences
Classification: Uncertain significance for PSEN1-related condition. Last evaluated: 2024-09-10. Review status: no assertion criteria provided. Collection method: clinical testing. Allele origin: germline. Not counted in ClinVar's aggregate classification.
Comment: The PSEN1 c.118_120delGAC variant is predicted to result in an in-frame deletion (p.Asp40del). This variant has been found in a patient with early onset Alzheimer disease, but no further segregation study was performed (Nygaard et al. 2014. PubMed ID: 24463146). This variant may affect the protein function, but the pathogenicity of the variant has not been elucidated (Sun et al. 2017. PubMed ID: 27930341; Perrone et al. 2020. PubMed ID: 32917274). This variant is reported in 0.033% of alleles in individuals of South Asian descent in gnomAD. At this time, the clinical significance of this variant is uncertain due to the absence of conclusive functional and genetic evidence.

Literature cited by the submitters: PubMed 32917274 (cited by Women's Health and Genetics/Laboratory Corporation of America, LabCorp); PubMed 27930341 (cited by Women's Health and Genetics/Laboratory Corporation of America, LabCorp); PubMed 28985224 (cited by Women's Health and Genetics/Laboratory Corporation of America, LabCorp); PubMed 32087291 (cited by Women's Health and Genetics/Laboratory Corporation of America, LabCorp); PubMed 30114415 (cited by Women's Health and Genetics/Laboratory Corporation of America, LabCorp); PubMed 24463146 (cited by Women's Health and Genetics/Laboratory Corporation of America, LabCorp).

NM_000021.4(PSEN1):c.118_120del (p.Asp40del)

Gene: PSEN1 (presenilin 1; plus strand). Cytogenetic location: 14q24.2.
Variant type: Deletion.
Coding change: c.118_120del on transcript NM_000021.4 (MANE Select); coding-DNA positions 118 to 120, 3 bases deleted (GAC; older notation c.118_120delGAC).
Protein change: p.Asp40del; deletes aspartic acid 40.
Molecular consequence: inframe deletion.
Genome position (GRCh38, 1-based): chr14:73,170,827-73,170,829, GAC deleted; deleting any 3 consecutive bases within chr14:73,170,825-73,170,829 gives the same sequence; the c. name uses the placement nearest the transcript's 3' end. VCF-style (leftmost placement, unchanged base first): chr14-73170824-AACG-A. GRCh37 (hg19) VCF-style: chr14-73637532-AACG-A.
Other names: c.106_108del, p.Asp36del (NM_007318.3); c.118_120delGAC (NM_000021.4); short protein forms D40del, D36del.
Identifiers: ClinVar variation 1505666 (VCV001505666.15), dbSNP rs759538127, ClinGen allele CA7256678.